The following is an entry in ClinVar:

ClinVar aggregate classification (germline): Pathogenic (1 of 4 stars; one submission).

Conditions:
Glutathione synthetase deficiency with 5-oxoprolinuria. Also called: PYROGLUTAMIC ACIDURIA; 5-Oxoprolinuria; Gluthathione synthetase deficiency; 5-OXOPROLINURIA DUE TO GLUTATHIONE SYNTHETASE DEFICIENCY; Reduced glutathione synthetase level. Identifiers: Orphanet 289846, MedGen C0398746, MONDO:0009947, OMIM 266130, HP:0003343.

Allele frequency attached by ClinVar (database versions not stated): gnomAD exomes below 0.00001.
gnomAD v4.1: 2 of 1,613,884 alleles (0.00012%); highest among the groups gnomAD compares: Non-Finnish European, 0.00017%; no homozygotes.

Submission:

Labcorp Genetics (formerly Invitae), Labcorp
Classification: Pathogenic for Glutathione synthetase deficiency with 5-oxoprolinuria. Last evaluated: 2023-02-06. Review status: criteria provided, single submitter. Criteria: Invitae Variant Classification Sherloc (09022015). Collection method: clinical testing. Allele origin: germline.
Comment: This sequence change creates a premature translational stop signal (p.Gln220*) in the GSS gene. It is expected to result in an absent or disrupted protein product. Loss-of-function variants in GSS are known to be pathogenic (PMID: 12638941, 15717202). This variant is not present in population databases (gnomAD no frequency). This variant has not been reported in the literature in individuals affected with GSS-related conditions. For these reasons, this variant has been classified as Pathogenic.

Literature cited by the submitters: PubMed 12638941; PubMed 15717202.

NM_000178.4(GSS):c.658C>T (p.Gln220Ter)

Gene: GSS (glutathione synthetase; minus strand). Cytogenetic location: 20q11.22.
Variant type: single nucleotide variant.
Coding change: c.658C>T on transcript NM_000178.4 (MANE Select); coding-DNA position 658, C replaced by T.
Protein change: p.Gln220Ter; replaces glutamine 220 with a stop codon.
Molecular consequence: nonsense.
Genome position (GRCh38, 1-based): chr20:34,936,974, G>A on the plus strand (C>T on the coding strand, the complement: GSS is on the minus strand). VCF-style: chr20-34936974-G-A. GRCh37 (hg19) VCF-style: chr20-33524777-G-A.
Other names: c.658C>T, p.Gln220Ter (NM_001322494.1, NM_001322495.1); short protein forms Q220*.
Identifiers: ClinVar variation 2793305 (VCV002793305.3), dbSNP rs2519026632, ClinGen allele CA408702819.